The following is an entry in ClinVar:

NM_004974.4(KCNA2):c.422C>A (p.Pro141His)

Gene: KCNA2 (potassium voltage-gated channel subfamily A member 2; minus strand). Cytogenetic location: 1p13.3.
Variant type: single nucleotide variant.
Coding change: c.422C>A on transcript NM_004974.4 (MANE Select); coding-DNA position 422, C replaced by A.
Protein change: p.Pro141His; replaces proline 141 with histidine.
Molecular consequence: missense variant.
Genome position (GRCh38, 1-based): chr1:110,604,361, G>T on the plus strand (C>A on the coding strand, the complement: KCNA2 is on the minus strand). VCF-style: chr1-110604361-G-T. GRCh37 (hg19) VCF-style: chr1-111146983-G-T.
Other names: c.422C>A, p.Pro141His (NM_001204269.2); c.422C>A (NM_004974.3); short protein forms P141H.
Identifiers: ClinVar variation 1010084 (VCV001010084.11), dbSNP rs1649502580, ClinGen allele CA341605473.
Genomic context (GRCh38, chr1:110,604,361, plus strand): 5'-GGCCCTGAGCTCTCTGGGTATTCAAAGAGAAGCCACACTTGTCTCTGAAACTCATTTTCA[G>T]GCAGAGGACGCTCTTCCTCCTTGATGTAGCCTTCATCTTCCCGAAACATCTCCATCGCTT-3'
Protein context (NP_004965.1, residues 131-151): GYIKEEERPL[Pro141His]ENEFQRQVWL

ClinVar aggregate classification (germline): Uncertain significance. Review status: criteria provided, multiple submitters, no conflicts (2 of 4 stars). 2 submissions from 2 submitters: Uncertain significance (2). Last evaluated 2025-08-12.

Conditions:
Developmental and epileptic encephalopathy, 32 (DEE32). Also called: Epileptic encephalopathy, early infantile, 32. Identifiers: Orphanet 442835, MedGen C4225350, MONDO:0014607, OMIM 616366.

Submissions (2):

GeneDx
Classification: Uncertain significance. Last evaluated: 2025-08-12. Review status: criteria provided, single submitter. Criteria: GeneDx Variant Classification Process June 2021. Collection method: clinical testing. Allele origin: germline. Affected: yes.
Comment: Not observed at significant frequency in large population cohorts (gnomAD); In silico analysis supports that this missense variant has a deleterious effect on protein structure/function; Has not been previously published as pathogenic or benign to our knowledge

Labcorp Genetics (formerly Invitae), Labcorp
Classification: Uncertain significance for Developmental and epileptic encephalopathy, 32. Last evaluated: 2023-05-30. Review status: criteria provided, single submitter. Criteria: Invitae Variant Classification Sherloc (09022015). Collection method: clinical testing. Allele origin: germline.
Comment: In summary, the available evidence is currently insufficient to determine the role of this variant in disease. Therefore, it has been classified as a Variant of Uncertain Significance. Advanced modeling of protein sequence and biophysical properties (such as structural, functional, and spatial information, amino acid conservation, physicochemical variation, residue mobility, and thermodynamic stability) performed at Invitae indicates that this missense variant is expected to disrupt KCNA2 protein function. ClinVar contains an entry for this variant (Variation ID: 1010084). This missense change has been observed in at least one individual who was not affected with KCNA2-related conditions (Invitae). This variant has not been reported in the literature in individuals affected with KCNA2-related conditions. This variant is not present in population databases (gnomAD no frequency). This sequence change replaces proline, which is neutral and non-polar, with histidine, which is basic and polar, at codon 141 of the KCNA2 protein (p.Pro141His).